The following is an entry in ClinVar:

NM_006767.4(LZTR1):c.235G>A (p.Ala79Thr)

Gene: LZTR1 (leucine zipper like post translational regulator 1; plus strand). Cytogenetic location: 22q11.21.
Variant type: single nucleotide variant.
Coding change: c.235G>A on transcript NM_006767.4 (MANE Select); coding-DNA position 235, G replaced by A.
Protein change: p.Ala79Thr; replaces alanine 79 with threonine.
Molecular consequence: missense variant.
Genome position (GRCh38, 1-based): chr22:20,983,061, G>A. VCF-style: chr22-20983061-G-A. GRCh37 (hg19) VCF-style: chr22-21337350-G-A.
Other names: short protein forms A79T.
Identifiers: ClinVar variation 4690801 (VCV004690801.1).

ClinVar aggregate classification (germline): Uncertain significance (1 of 4 stars; one submission).

Submission:

Labcorp Genetics (formerly Invitae), Labcorp
Classification: Uncertain significance. Last evaluated: 2025-05-11. Review status: criteria provided, single submitter. Criteria: Invitae Variant Classification Sherloc (09022015). Collection method: clinical testing. Allele origin: germline.
Comment: This sequence change replaces alanine, which is neutral and non-polar, with threonine, which is neutral and polar, at codon 79 of the LZTR1 protein (p.Ala79Thr). This variant is not present in population databases (gnomAD no frequency). This variant has not been reported in the literature in individuals affected with LZTR1-related conditions. Invitae Evidence Modeling of protein sequence and biophysical properties (such as structural, functional, and spatial information, amino acid conservation, physicochemical variation, residue mobility, and thermodynamic stability) indicates that this missense variant is not expected to disrupt LZTR1 protein function with a negative predictive value of 80%. In summary, the available evidence is currently insufficient to determine the role of this variant in disease. Therefore, it has been classified as a Variant of Uncertain Significance.